The following is an entry in ClinVar:

NM_003000.3(SDHB):c.465T>C (p.Pro155=)

Gene: SDHB (succinate dehydrogenase complex iron sulfur subunit B; minus strand). Cytogenetic location: 1p36.13.
Variant type: single nucleotide variant.
Coding change: c.465T>C on transcript NM_003000.3 (MANE Select); coding-DNA position 465, T replaced by C.
Protein change: p.Pro155=; no amino-acid change (proline 155 retained).
Molecular consequence: synonymous variant.
Genome position (GRCh38, 1-based): chr1:17,027,824, A>G on the plus strand (T>C on the coding strand, the complement: SDHB is on the minus strand). VCF-style: chr1-17027824-A-G. GRCh37 (hg19) VCF-style: chr1-17354319-A-G.
Identifiers: ClinVar variation 486416 (VCV000486416.13), dbSNP rs1553177685, ClinGen allele CA416086152.

ClinVar aggregate classification (germline): Benign/Likely benign. Review status: criteria provided, multiple submitters, no conflicts (2 of 4 stars). 3 submissions from 3 submitters: Benign (1); Likely benign (2). Last evaluated 2025-03-13.

Conditions:
Hereditary cancer-predisposing syndrome. Also called: Tumor predisposition; Hereditary neoplastic syndrome; Hereditary Cancer Syndrome; Neoplastic Syndromes, Hereditary. Identifiers: Orphanet 140162, MedGen C0027672, MeSH D009386, MONDO:0015356.
Pheochromocytoma/paraganglioma syndrome 4. Also called: SDHB-Related Hereditary Paraganglioma-Pheochromocytoma Syndrome (Paragangliomas 4); PARAGANGLIOMA, FAMILIAL MALIGNANT; PARAGANGLIOMAS, HEREDITARY EXTRAADRENAL; PHEOCHROMOCYTOMA, FAMILIAL EXTRAADRENAL; Paragangliomas 4; CAROTID BODY TUMORS AND MULTIPLE EXTRAADRENAL PHEOCHROMOCYTOMAS. Identifiers: Orphanet 29072, MedGen C1861848, MONDO:0007273, OMIM 115310.
Gastrointestinal stromal tumor. Also called: Gastrointestinal stroma tumor; Gastrointestinal stromal tumor, somatic. Identifiers: Orphanet 44890, MedGen C0238198, MeSH D046152, MONDO:0011719, OMIM 606764, HP:0100723.
Pheochromocytoma. Also called: MAX-Related Hereditary Paraganglioma-Pheochromocytoma Syndrome. Identifiers: Orphanet 29072, MedGen C0031511, MONDO:0008233, OMIM 171300, HP:0002666.

gnomAD v4.1: 1 of 1,613,294 alleles (0.000062%); highest among the groups gnomAD compares: Non-Finnish European, 0.000085%; no homozygotes.

Submissions (3):

Myriad Genetics, Inc.
Classification: Benign for Pheochromocytoma/paraganglioma syndrome 4. Last evaluated: 2025-03-13. Review status: criteria provided, single submitter. Criteria: Myriad Autosomal Dominant, Autosomal Recessive and X-Linked Classification Criteria (2023). Collection method: clinical testing. Allele origin: unknown.
Comment: This variant is considered benign. This variant is a silent/synonymous amino acid change and it is not expected to impact splicing.

Labcorp Genetics (formerly Invitae), Labcorp
Classification: Likely benign for Gastrointestinal stromal tumor; Pheochromocytoma/paraganglioma syndrome 4; Pheochromocytoma. Last evaluated: 2023-12-01. Review status: criteria provided, single submitter. Criteria: Invitae Variant Classification Sherloc (09022015). Collection method: clinical testing. Allele origin: germline.

Ambry Genetics
Classification: Likely benign for Hereditary cancer-predisposing syndrome. Last evaluated: 2016-08-25. Review status: criteria provided, single submitter. Criteria: Ambry Variant Classification Scheme 2023. Collection method: clinical testing. Allele origin: germline.